The following is an entry in ClinVar:

ClinVar aggregate classification (germline): Uncertain significance (1 of 4 stars; one submission).

Submission:

GeneDx
Classification: Uncertain significance. Last evaluated: 2026-01-25. Review status: criteria provided, single submitter. Criteria: GeneDx Variant Classification Process June 2021. Collection method: clinical testing. Allele origin: germline.
Comment: Not observed at significant frequency in large population cohorts (gnomAD); In silico analysis supports that this missense variant has a deleterious effect on protein structure/function; Has not been previously published as pathogenic or benign to our knowledge; This variant is associated with the following publications: (PMID: 25512093, 25609763, 26100331)

NM_001376.5(DYNC1H1):c.7375T>C (p.Phe2459Leu)

Gene: DYNC1H1 (dynein cytoplasmic 1 heavy chain 1; plus strand). Cytogenetic location: 14q32.31.
Variant type: single nucleotide variant.
Coding change: c.7375T>C on transcript NM_001376.5 (MANE Select); coding-DNA position 7375, T replaced by C.
Protein change: p.Phe2459Leu; replaces phenylalanine 2459 with leucine.
Molecular consequence: missense variant.
Genome position (GRCh38, 1-based): chr14:102,015,988, T>C. VCF-style: chr14-102015988-T-C. GRCh37 (hg19) VCF-style: chr14-102482325-T-C.
Other names: short protein forms F2459L.
Identifiers: ClinVar variation 4975636 (VCV004975636.1).